The following is an entry in ClinVar:

ClinVar aggregate classification (germline): Benign/Likely benign. Review status: criteria provided, multiple submitters, no conflicts (2 of 4 stars). 10 submissions from 10 submitters: Benign (9); Likely benign (1). Last evaluated 2026-02-03.

Conditions:
Early-infantile DEE. Also called: Ohtahara syndrome; Early infantile epileptic encephalopathy with suppression bursts; Early infantile epileptic encephalopathy. Identifiers: Orphanet 1934, MedGen C0393706, MONDO:0800491.
Inborn genetic diseases. Identifiers: MedGen C0950123, MeSH D030342.
Developmental and epileptic encephalopathy, 13 (DEE13). Also called: Early infantile epileptic encephalopathy 13; Developmental and Epileptic Encephalopathy (SCN8A-DEE); SCN8A-Related Epilepsy. Identifiers: Orphanet 442835, MedGen C3281191, MONDO:0013801, OMIM 614558.
Cognitive impairment with or without cerebellar ataxia (CIAT). Identifiers: MedGen C3280415, MONDO:0013680, OMIM 614306.
Seizures, benign familial infantile, 5 (BFIS5). Also called: CONVULSIONS, BENIGN FAMILIAL INFANTILE, 5. Identifiers: Orphanet 306, MedGen C4310728, MONDO:0014903, OMIM 617080.
Myoclonus, familial, 2. Identifiers: MedGen C5193056, MONDO:0100092, OMIM 618364.

Allele frequency attached by ClinVar (database versions not stated): 1000 Genomes Project 0.00319; gnomAD 0.00138 and 0.00143; TOPMed 0.00274; gnomAD exomes 0.00317; 1000 Genomes Project 30x 0.00359; ExAC 0.00262.
gnomAD v4.1: 1,172 of 1,611,568 alleles (0.073%); highest among the groups gnomAD compares: Admixed American, 1.9%; 12 homozygotes.

Submissions (10):

Labcorp Genetics (formerly Invitae), Labcorp
Classification: Benign for Early-infantile DEE. Last evaluated: 2026-02-03. Review status: criteria provided, single submitter. Criteria: Invitae Variant Classification Sherloc (09022015). Collection method: clinical testing. Allele origin: germline.

Athena Diagnostics
Classification: Benign. Last evaluated: 2024-10-01. Review status: criteria provided, single submitter. Criteria: Athena Diagnostics Criteria. Collection method: clinical testing. Allele origin: unknown.

Fulgent Genetics
Classification: Likely benign for Cognitive impairment with or without cerebellar ataxia; Developmental and epileptic encephalopathy, 13; Seizures, benign familial infantile, 5; Myoclonus, familial, 2. Last evaluated: 2022-05-02. Review status: criteria provided, single submitter. Criteria: ACMG Guidelines, 2015. Collection method: clinical testing. Allele origin: unknown.

Mayo Clinic Laboratories, Mayo Clinic
Classification: Benign. Last evaluated: 2020-01-08. Review status: criteria provided, single submitter. Criteria: ACMG Guidelines, 2015. Collection method: clinical testing. Allele origin: germline. Observed: 11 variant alleles.

Center for Pediatric Genomic Medicine, Children's Mercy Hospital and Clinics
Classification: Benign. Last evaluated: 2016-11-07. Review status: criteria provided, single submitter. Criteria: ACMG Guidelines, 2015. Collection method: clinical testing. Allele origin: germline.

Genetic Services Laboratory, University of Chicago
Classification: Benign. Last evaluated: 2016-09-09. Review status: criteria provided, single submitter. Criteria: ACMG Guidelines, 2015. Collection method: clinical testing. Allele origin: germline. Affected: no.

Ambry Genetics
Classification: Benign for Inborn genetic diseases. Last evaluated: 2016-02-25. Review status: criteria provided, single submitter. Criteria: Ambry Variant Classification Scheme 2023. Collection method: clinical testing. Allele origin: germline.

Eurofins Ntd Llc (ga)
Classification: Benign. Last evaluated: 2015-05-15. Review status: criteria provided, single submitter. Criteria: EGL Classification Definitions 2015. Collection method: clinical testing. Allele origin: germline.

GeneDx
Classification: Benign. Last evaluated: 2014-02-18. Review status: criteria provided, single submitter. Criteria: GeneDx Variant Classification (06012015). Collection method: clinical testing. Allele origin: germline. Affected: yes.
Comment: This variant is considered likely benign or benign based on one or more of the following criteria: it is a conservative change, it occurs at a poorly conserved position in the protein, it is predicted to be benign by multiple in silico algorithms, and/or has population frequency not consistent with disease.

Breakthrough Genomics
Classification: Benign. Review status: criteria provided, single submitter. Criteria: ACMG Guidelines, 2015. Collection method: not provided. Allele origin: germline. Inheritance: Autosomal dominant inheritance. Affected: yes.

Literature cited by the submitters: PubMed 27875746 (cited by Athena Diagnostics).

NM_001330260.2(SCN8A):c.2098A>T (p.Ile700Leu)

Gene: SCN8A (sodium voltage-gated channel alpha subunit 8; plus strand). Cytogenetic location: 12q13.13.
Variant type: single nucleotide variant.
Coding change: c.2098A>T on transcript NM_001330260.2 (MANE Select); coding-DNA position 2098, A replaced by T.
Protein change: p.Ile700Leu; replaces isoleucine 700 with leucine.
Molecular consequence: missense variant.
Genome position (GRCh38, 1-based): chr12:51,746,002, A>T. VCF-style: chr12-51746002-A-T. GRCh37 (hg19) VCF-style: chr12-52139786-A-T.
Other names: p.I700L:ATA>TTA; c.2098A>T, p.Ile700Leu (NM_001177984.3, NM_001369788.1, NM_014191.4); short protein forms I700L.
Identifiers: ClinVar variation 139069 (VCV000139069.30), dbSNP rs187153231, ClinGen allele CA302743.